The following is an entry in ClinVar:

NM_001165963.4(SCN1A):c.603-2A>C

Gene: SCN1A (sodium voltage-gated channel alpha subunit 1; minus strand). Cytogenetic location: 2q24.3.
Variant type: single nucleotide variant.
Coding change: c.603-2A>C on transcript NM_001165963.4 (MANE Select); the canonical splice acceptor site of the intron before coding-DNA position 603, A replaced by C.
Molecular consequence: splice acceptor variant.
Genome position (GRCh38, 1-based): chr2:166,052,945, T>G on the plus strand (A>C on the coding strand, the complement: SCN1A is on the minus strand). VCF-style: chr2-166052945-T-G. GRCh37 (hg19) VCF-style: chr2-166909455-T-G.
Other names: c.603-2A>C (NM_001353949.2, NM_001353958.2, NM_001353950.2 and 10 more transcripts); c.-1823-2A>C (NM_001353961.2).
Identifiers: ClinVar variation 2135501 (VCV002135501.4), dbSNP rs1057519531, ClinGen allele CA349074450.

ClinVar aggregate classification (germline): Pathogenic (1 of 4 stars; one submission).

Conditions:
Early-infantile DEE. Also called: Early infantile epileptic encephalopathy; Ohtahara syndrome; Early infantile epileptic encephalopathy with suppression bursts. Identifiers: Orphanet 1934, MedGen C0393706, MONDO:0800491.

Submission:

Labcorp Genetics (formerly Invitae), Labcorp
Classification: Pathogenic for Early-infantile DEE. Last evaluated: 2022-05-08. Review status: criteria provided, single submitter. Criteria: Invitae Variant Classification Sherloc (09022015). Collection method: clinical testing. Allele origin: germline.
Comment: For these reasons, this variant has been classified as Pathogenic. Algorithms developed to predict the effect of sequence changes on RNA splicing suggest that this variant may disrupt the consensus splice site. Disruption of this splice site has been observed in individual(s) with Dravet syndrome (PMID: 21719429). In at least one individual the variant was observed to be de novo. This variant is not present in population databases (gnomAD no frequency). This sequence change affects an acceptor splice site in intron 4 of the SCN1A gene. It is expected to disrupt RNA splicing. Variants that disrupt the donor or acceptor splice site typically lead to a loss of protein function (PMID: 16199547), and loss-of-function variants in SCN1A are known to be pathogenic (PMID: 17347258, 18930999).

Literature cited by the submitters: PubMed 21719429; PubMed 16199547; PubMed 17347258; PubMed 18930999.